The following is an entry in ClinVar:

ClinVar aggregate classification (germline): Pathogenic. Review status: criteria provided, multiple submitters, no conflicts (2 of 4 stars). 3 submissions from 3 submitters: Pathogenic (3). Last evaluated 2026-01-12.

Conditions:
Vici syndrome (VICIS). Identifiers: Orphanet 1493, MedGen C1855772, MONDO:0009452, OMIM 242840.

Allele frequency attached by ClinVar (database versions not stated): gnomAD 0.00001; TOPMed 0.00006.

Submissions (3):

Women's Health and Genetics/Laboratory Corporation of America, LabCorp
Classification: Pathogenic for Vici syndrome. Last evaluated: 2026-01-12. Review status: criteria provided, single submitter. Criteria: LabCorp Variant Classification Summary - May 2015. Collection method: clinical testing. Allele origin: germline.
Comment: Variant summary: EPG5 c.1254delG (p.Ser419LeufsX14) results in a premature termination codon, predicted to cause a truncation of the encoded protein or absence of the protein due to nonsense mediated decay, which are commonly known mechanisms for disease. The variant was absent in 188918 control chromosomes. To our knowledge, no occurrence of c.1254delG in individuals affected with EPG5-related conditions and no experimental evidence demonstrating its impact on protein function have been reported. ClinVar contains an entry for this variant (Variation ID: 844744). Based on the evidence outlined above, the variant was classified as pathogenic.

GeneDx
Classification: Pathogenic. Last evaluated: 2025-11-21. Review status: criteria provided, single submitter. Criteria: GeneDx Variant Classification Process June 2021. Collection method: clinical testing. Allele origin: germline.
Comment: Frameshift variant predicted to result in protein truncation or nonsense mediated decay in a gene for which loss of function is a known mechanism of disease; Not observed at significant frequency in large population cohorts (gnomAD); Has not been previously published as pathogenic or benign to our knowledge

Labcorp Genetics (formerly Invitae), Labcorp
Classification: Pathogenic for Vici syndrome. Last evaluated: 2025-01-15. Review status: criteria provided, single submitter. Criteria: Invitae Variant Classification Sherloc (09022015). Collection method: clinical testing. Allele origin: germline.
Comment: This sequence change creates a premature translational stop signal (p.Ser419Leufs*14) in the EPG5 gene. It is expected to result in an absent or disrupted protein product. Loss-of-function variants in EPG5 are known to be pathogenic (PMID: 23222957, 23674064). This variant is not present in population databases (gnomAD no frequency). This variant has not been reported in the literature in individuals affected with EPG5-related conditions. ClinVar contains an entry for this variant (Variation ID: 844744). For these reasons, this variant has been classified as Pathogenic.

Literature cited by the submitters: PubMed 23222957 (cited by Labcorp Genetics (formerly Invitae), Labcorp); PubMed 23674064 (cited by Labcorp Genetics (formerly Invitae), Labcorp).

NM_020964.3(EPG5):c.1254del (p.Ser419fs)

Genes: EPG5 (ectopic P-granules 5 autophagy tethering factor; minus strand), LOC126862737 (P300/CBP strongly-dependent group 1 enhancer GRCh37_chr18:43530707-43531906; plus strand). Cytogenetic location: 18q21.1.
Variant type: Deletion.
Coding change: c.1254del on transcript NM_020964.3 (MANE Select); coding-DNA position 1254, one base deleted (G; older notation c.1254delG).
Protein change: p.Ser419fs; shifts the reading frame from serine 419.
Molecular consequence: frameshift variant.
Genome position (GRCh38, 1-based): chr18:45,951,237, C deleted on the plus strand (G on the coding strand, the reverse complement: EPG5 is on the minus strand). VCF-style (leftmost placement, unchanged base first): chr18-45951236-AC-A. GRCh37 (hg19) VCF-style: chr18-43531202-AC-A.
Other names: c.1254delG (NM_020964.3); short protein forms S419fs.
Identifiers: ClinVar variation 844744 (VCV000844744.12), dbSNP rs2050902019, ClinGen allele CA916083642.